The following is an entry in ClinVar:

NM_000540.3(RYR1):c.10171G>T (p.Glu3391Ter)

Gene: RYR1 (ryanodine receptor 1; plus strand). Cytogenetic location: 19q13.2.
Variant type: single nucleotide variant.
Coding change: c.10171G>T on transcript NM_000540.3 (MANE Select); coding-DNA position 10171, G replaced by T.
Protein change: p.Glu3391Ter; replaces glutamic acid 3391 with a stop codon.
Molecular consequence: nonsense.
Genome position (GRCh38, 1-based): chr19:38,519,366, G>T. VCF-style: chr19-38519366-G-T. GRCh37 (hg19) VCF-style: chr19-39010006-G-T.
Other names: NM_000540.3(RYR1):c.10171G>T; p.Glu3391Ter; c.10171G>T, p.Glu3391Ter (NM_001042723.2); short protein forms E3391*.
Identifiers: ClinVar variation 2710027 (VCV002710027.6), dbSNP rs1216966090, ClinGen allele CA405696104.

ClinVar aggregate classification (germline): Likely pathogenic. Review status: reviewed by expert panel (3 of 4 stars). 4 submissions from 4 submitters: Likely pathogenic (1). 3 of the submissions do not count toward it. Last evaluated 2024-09-09.

Conditions:
Malignant hyperthermia, susceptibility to, 1 (MHS1). Also called: Malignant hyperthermia suceptibility 1; Anesthesia related hyperthermia; Malignant hyperpyrexia; Fulminating hyperpyrexia; Pharmacogenic myopathy; RYR1-Related Malignant Hyperthermia Susceptibility. Identifiers: Orphanet 423, MedGen C2930980, MONDO:0007783, OMIM 145600.
RYR1-related myopathy. Identifiers: Orphanet 98742, MedGen CN305348, MONDO:0100150.
RYR1-related disorder. Also called: RYR1-related condition; RYR1-related disorders. Identifiers: MedGen CN239331.

gnomAD v4.1: 5 of 1,610,038 alleles (0.00031%); highest among the groups gnomAD compares: Non-Finnish European, 0.00042%; no homozygotes.

Submissions (4):

ClinGen Congenital Myopathies Variant Curation Expert Panel, ClinGen
Classification: Likely pathogenic for RYR1-related myopathy. Last evaluated: 2024-09-09. Review status: reviewed by expert panel. Criteria: ClinGen CongenMyopathy ACMG Specifications RYR1 AR V1.0.0. Collection method: curation. Allele origin: germline. Inheritance: Autosomal recessive inheritance.
Comment: The NM_000540.3(RYR1):c.10171G>T (p.Glu3391Ter) variant in RYR1 is a nonsense variant predicted to cause a premature stop codon in biologically-relevant-exon 67/106 leading to nonsense mediated decay in a gene in which loss-of-function is an established disease mechanism (PVS1). The highest population minor allele frequency in gnomAD v4.1.0 is 0.000004243 (5/1178340 alleles) in European (non-Finnish) population, which is lower than the ClinGen Congenital Myopathies VCEP threshold (≤0.00000697) for PM2_Supporting, meeting this criterion (PM2_Supporting). In summary, this variant meets the criteria to be classified as likely pathogenic for RYR1-related myopathy based on the ACMG/AMP criteria applied, as specified by the ClinGen Congenital Myopathies VCEP: PVS1, PM2_P. (Required: ClinGen Congenital Myopathies VCEP specifications version 1; September 9, 2024)

Color Diagnostics, LLC DBA Color Health
Classification: Uncertain significance for Malignant hyperthermia, susceptibility to, 1. Last evaluated: 2025-06-10. Review status: criteria provided, single submitter. Criteria: ACMG Guidelines, 2015. Collection method: clinical testing. Allele origin: germline. Not counted in ClinVar's aggregate classification.
Comment: This variant changes 1 nucleotide in exon 67 of the RYR1 gene, creating a premature translation stop signal. This variant is expected to result in an absent or non-functional protein product. To our knowledge, this variant has not been reported in individuals affected with RYR1-related disorders in the literature. This variant has not been identified in the general population by the Genome Aggregation Database (gnomAD). Loss of RYR1 function due to haploinsufficiency is not an established disease mechanism for autosomal dominant malignant hyperthermia, although it is associated with other phenotype(s). Due to insufficient evidence, this variant is classified as a Variant of Uncertain Significance for autosomal dominant malignant hyperthermia.

Labcorp Genetics (formerly Invitae), Labcorp
Classification: Pathogenic for RYR1-related disorder. Last evaluated: 2024-01-08. Review status: criteria provided, single submitter. Criteria: Invitae Variant Classification Sherloc (09022015). Collection method: clinical testing. Allele origin: germline. Not counted in ClinVar's aggregate classification.
Comment: This sequence change creates a premature translational stop signal (p.Glu3391*) in the RYR1 gene. It is expected to result in an absent or disrupted protein product. Loss-of-function variants in RYR1 are known to be pathogenic (PMID: 23919265, 25960145, 28818389, 30611313). This variant is not present in population databases (gnomAD no frequency). This variant has not been reported in the literature in individuals affected with RYR1-related conditions. For these reasons, this variant has been classified as Pathogenic.

All of Us Research Program, National Institutes of Health
Classification: Uncertain significance for Malignant hyperthermia, susceptibility to, 1. Last evaluated: 2023-04-28. Review status: criteria provided, single submitter. Criteria: ACMG Guidelines, 2015. Collection method: clinical testing. Allele origin: germline. Inheritance: Autosomal dominant inheritance. Observed: 2 variant alleles, 2 heterozygotes. Not counted in ClinVar's aggregate classification.
Comment: This variant changes 1 nucleotide in exon 67 of the RYR1 gene, creating a premature translation stop signal. This variant is expected to result in an absent or non-functional protein product. To our knowledge, this variant has not been reported in individuals affected with RYR1-related disorders in the literature. This variant has not been identified in the general population by the Genome Aggregation Database (gnomAD). Loss of RYR1 function due to haploinsufficiency is not an established disease mechanism for autosomal dominant malignant hyperthermia, although it is associated with other phenotype(s). Due to insufficient evidence, this variant is classified as a Variant of Uncertain Significance for autosomal dominant malignant hyperthermia.

This study involves interpretation of variants in research participants for the purpose of population health screening. Participant phenotype was not available at the time of variant classification. Additional details can be found in publication PMID: 35346344, PMCID: PMC8962531

Literature cited by the submitters: PubMed 23919265 (cited by Labcorp Genetics (formerly Invitae), Labcorp); PubMed 25960145 (cited by Labcorp Genetics (formerly Invitae), Labcorp); PubMed 28818389 (cited by Labcorp Genetics (formerly Invitae), Labcorp); PubMed 30611313 (cited by Labcorp Genetics (formerly Invitae), Labcorp).